The following is an entry in ClinVar:

NM_004531.5(MOCS2):c.169G>T (p.Asp57Tyr)

Gene: MOCS2 (molybdenum cofactor synthesis 2; minus strand). Cytogenetic location: 5q11.2.
Variant type: single nucleotide variant.
Coding change: c.169G>T on transcript NM_004531.5 (MANE Select); coding-DNA position 169, G replaced by T.
Protein change: p.Asp57Tyr; replaces aspartic acid 57 with tyrosine.
Molecular consequence: missense variant. On other transcripts: 3 prime UTR variant (1).
Genome position (GRCh38, 1-based): chr5:53,102,154, C>A on the plus strand (G>T on the coding strand, the complement: MOCS2 is on the minus strand). VCF-style: chr5-53102154-C-A. GRCh37 (hg19) VCF-style: chr5-52397984-C-A.
Other names: c.*89G>T (NM_176806.4); c.169G>T, p.Asp57Tyr (NM_183418.1); short protein forms D57Y.
Identifiers: ClinVar variation 1909099 (VCV001909099.2), dbSNP rs1246555304, ClinGen allele CA359693444.

ClinVar aggregate classification (germline): Uncertain significance (1 of 4 stars; one submission).

Allele frequency attached by ClinVar (database versions not stated): TOPMed below 0.00001; gnomAD exomes 0.00002.
gnomAD v4.1: 25 of 1,613,508 alleles (0.0015%); highest among the groups gnomAD compares: Non-Finnish European, 0.0021%; no homozygotes.

Submission:

Labcorp Genetics (formerly Invitae), Labcorp
Classification: Uncertain significance. Last evaluated: 2022-03-20. Review status: criteria provided, single submitter. Criteria: Invitae Variant Classification Sherloc (09022015). Collection method: clinical testing. Allele origin: germline.
Comment: This sequence change replaces aspartic acid, which is acidic and polar, with tyrosine, which is neutral and polar, at codon 57 of the MOCS2B protein (p.Asp57Tyr). The frequency data for this variant in the population databases is considered unreliable, as metrics indicate poor data quality at this position in the gnomAD database. This variant has not been reported in the literature in individuals affected with MOCS2B-related conditions. Algorithms developed to predict the effect of missense changes on protein structure and function are either unavailable or do not agree on the potential impact of this missense change (SIFT: "Deleterious"; PolyPhen-2: "Possibly Damaging"; Align-GVGD: "Class C0"). In summary, the available evidence is currently insufficient to determine the role of this variant in disease. Therefore, it has been classified as a Variant of Uncertain Significance.